The following is an entry in ClinVar:

NM_012310.5(KIF4A):c.2113G>A (p.Glu705Lys)

Gene: KIF4A (kinesin family member 4A; plus strand). Cytogenetic location: Xq13.1.
Variant type: single nucleotide variant.
Coding change: c.2113G>A on transcript NM_012310.5 (MANE Select); coding-DNA position 2113, G replaced by A.
Protein change: p.Glu705Lys; replaces glutamic acid 705 with lysine.
Molecular consequence: missense variant.
Genome position (GRCh38, 1-based): chrX:70,386,696, G>A. VCF-style: chrX-70386696-G-A. GRCh37 (hg19) VCF-style: chrX-69606546-G-A.
Other names: short protein forms E705K.
Identifiers: ClinVar variation 1030246 (VCV001030246.2), dbSNP rs2086218922, ClinGen allele CA413483602.

ClinVar aggregate classification (germline): Uncertain significance. Review status: criteria provided, multiple submitters, no conflicts (2 of 4 stars). 2 submissions from 2 submitters: Uncertain significance (2). Last evaluated 2022-02-01.

Conditions:
Intellectual developmental disorder, X-linked 100. Also called: Intellectual disability, X-linked 100. Identifiers: MedGen C3890167, MONDO:0010488, OMIM 300923.

Submissions (2):

Daryl Scott Lab, Baylor College of Medicine
Classification: Uncertain significance for Intellectual developmental disorder, X-linked 100. Last evaluated: 2022-02-01. Review status: criteria provided, single submitter. Criteria: ACMG Guidelines, 2015. Collection method: clinical testing. Allele origin: maternal. Observed: 1 variant allele.

Baylor Genetics
Classification: Uncertain significance for Intellectual developmental disorder, X-linked 100. Last evaluated: 2019-12-24. Review status: criteria provided, single submitter. Criteria: ACMG Guidelines, 2015. Collection method: clinical testing. Allele origin: unknown. Affected: yes.
Comment: This variant was determined to be of uncertain significance according to ACMG Guidelines, 2015 [PMID:25741868].

Literature cited by the submitters: PubMed 36474027 (cited by Daryl Scott Lab, Baylor College of Medicine).